The following is an entry in ClinVar:

ClinVar aggregate classification (germline): Uncertain significance. Review status: criteria provided, multiple submitters, no conflicts (2 of 4 stars). 3 submissions from 3 submitters: Uncertain significance (3). Last evaluated 2023-09-25.

Conditions:
Hereditary cancer-predisposing syndrome. Also called: Neoplastic Syndromes, Hereditary; Hereditary Cancer Syndrome; Hereditary neoplastic syndrome; Tumor predisposition. Identifiers: Orphanet 140162, MedGen C0027672, MeSH D009386, MONDO:0015356.
Tuberous sclerosis 2 (TSC2). Identifiers: Orphanet 805, MedGen C1860707, MONDO:0013199, OMIM 613254.

Submissions (3):

Ambry Genetics
Classification: Uncertain significance for Hereditary cancer-predisposing syndrome. Last evaluated: 2023-09-25. Review status: criteria provided, single submitter. Criteria: Ambry Variant Classification Scheme 2023. Collection method: clinical testing. Allele origin: germline.
Comment: The p.E1805D variant (also known as c.5415G>C), located in coding exon 41 of the TSC2 gene, results from a G to C substitution at nucleotide position 5415. The glutamic acid at codon 1805 is replaced by aspartic acid, an amino acid with highly similar properties. This amino acid position is well conserved in available vertebrate species. In addition, the in silico prediction for this alteration is inconclusive. Since supporting evidence is limited at this time, the clinical significance of this alteration remains unclear.

Genome-Nilou Lab
Classification: Uncertain significance for Tuberous sclerosis 2. Last evaluated: 2021-11-07. Review status: criteria provided, single submitter. Criteria: ACMG Guidelines, 2015. Collection method: clinical testing. Allele origin: germline. Affected: no.

Labcorp Genetics (formerly Invitae), Labcorp
Classification: Uncertain significance for Tuberous sclerosis 2. Last evaluated: 2019-07-04. Review status: criteria provided, single submitter. Criteria: Invitae Variant Classification Sherloc (09022015). Collection method: clinical testing. Allele origin: germline.
Comment: In summary, the available evidence is currently insufficient to determine the role of this variant in disease. Therefore, it has been classified as a Variant of Uncertain Significance. Algorithms developed to predict the effect of missense changes on protein structure and function (SIFT, PolyPhen-2, Align-GVGD) all suggest that this variant is likely to be tolerated, but these predictions have not been confirmed by published functional studies and their clinical significance is uncertain. This variant has not been reported in the literature in individuals with TSC2-related disease. This variant is not present in population databases (ExAC no frequency). This sequence change replaces glutamic acid with aspartic acid at codon 1805 of the TSC2 protein (p.Glu1805Asp). The glutamic acid residue is moderately conserved and there is a small physicochemical difference between glutamic acid and aspartic acid.

NM_000548.5(TSC2):c.5415G>C (p.Glu1805Asp)

Gene: TSC2 (TSC complex subunit 2; plus strand). Cytogenetic location: 16p13.3.
Variant type: single nucleotide variant.
Coding change: c.5415G>C on transcript NM_000548.5 (MANE Select); coding-DNA position 5415, G replaced by C.
Protein change: p.Glu1805Asp; replaces glutamic acid 1805 with aspartic acid.
Molecular consequence: missense variant.
Genome position (GRCh38, 1-based): chr16:2,088,601, G>C. VCF-style: chr16-2088601-G-C. GRCh37 (hg19) VCF-style: chr16-2138602-G-C.
Other names: c.5214G>C, p.Glu1738Asp (NM_001077183.3); c.5346G>C, p.Glu1782Asp (NM_001114382.3); c.5106G>C, p.Glu1702Asp (NM_001318827.2); c.5070G>C, p.Glu1690Asp (NM_001318829.2); c.4683G>C, p.Glu1561Asp (NM_001318831.2); c.5247G>C, p.Glu1749Asp (NM_001318832.2); c.5217G>C, p.Glu1739Asp (NM_001363528.2); c.5283G>C, p.Glu1761Asp (NM_001370404.1); and 2 more; short protein forms E1761D, E1782D, E1561D, E1702D, E1738D, E1690D, E1758D, E1762D.
Identifiers: ClinVar variation 825713 (VCV000825713.16), dbSNP rs982803529, ClinGen allele CA394316267.